The following is an entry in ClinVar:

ClinVar aggregate classification (germline): Pathogenic (1 of 4 stars; one submission).

Conditions:
CACNA1F-related retinopathy. Identifiers: MedGen CN375918, MONDO:0700243.

Submission:

Victorian Clinical Genetics Services, Murdoch Childrens Research Institute
Classification: Pathogenic for CACNA1F-related retinopathy. Last evaluated: 2025-06-30. Review status: criteria provided, single submitter. Criteria: ACMG Guidelines, 2015. Collection method: clinical testing. Allele origin: germline. Affected: yes.
Comment: This variant is classified as Pathogenic. Evidence in support of pathogenic classification: Variant is predicted to cause nonsense-mediated decay (NMD) and loss of protein (premature termination codon is located at least 54 nucleotides upstream of the final exon-exon junction); Variant is absent from gnomAD (v2, v3 and v4); Other NMD-predicted variants comparable to the one identified in this case have very strong previous evidence for pathogenicity (ClinVar, DECIPHER). Additional information: This variant is hemizygous; This gene is associated with X-linked disease. Heterozygous females have been described as asymptomatic, or as mildly affected, likely due to X-inactivation (PMID: 15897456; PMID: 31651202); This variant has no previous evidence of pathogenicity; No published segregation evidence has been identified for this variant; No published functional evidence has been identified for this variant; Loss of function and gain of function are known mechanisms of disease in this gene and are associated with CACNA1F-related retinopathy (MONDO:0700243). Missense variants have been reported with either a loss or gain of function mechanism (PMID: 15897456); Variants in this gene are known to have variable expressivity (PMID: 15897456, PMID:31651202, PMID: 28002560).

Literature cited by the submitters: PubMed 15897456; PubMed 31651202; PubMed 28002560.

NM_001256789.3(CACNA1F):c.960_961insA (p.Leu321fs)

Gene: CACNA1F (calcium voltage-gated channel subunit alpha1 F; minus strand). Cytogenetic location: Xp11.23.
Variant type: Insertion.
Coding change: c.960_961insA on transcript NM_001256789.3 (MANE Select); coding-DNA positions 960 to 961, A inserted.
Protein change: p.Leu321fs; shifts the reading frame from leucine 321.
Molecular consequence: frameshift variant.
Genome position: GRCh38 VCF-style: chrX-49228304-G-GT. GRCh37 (hg19) VCF-style: chrX-49084766-G-GT.
Other names: c.765_766insA, p.Leu256fs (NM_001256790.3); c.960_961insA, p.Leu321fs (NM_005183.4); short protein forms L256fs, L321fs.
Identifiers: ClinVar variation 4531324 (VCV004531324.1).
Genomic context (GRCh38, chrX:49,228,304, plus strand): 5'-ACCTCACCCAGTAGAGCACATCGGTCCAGCCTTCCATGGTGACACACTGGAAGACTGTCA[G>GT]CATGGCGAAGAAGAAGTTGTCAAAGTTGGTGATGCCTCCATTGGGCCCTGGCCAGCGCCC-3'